The following is an entry in ClinVar:

ClinVar aggregate classification (germline): Uncertain significance (1 of 4 stars; one submission).

Conditions:
Atypical hemolytic-uremic syndrome. Identifiers: Orphanet 2134, MedGen C2931788, MONDO:0016244.

Submission:

Genomenon, Inc
Classification: Uncertain significance for Atypical hemolytic-uremic syndrome. Last evaluated: 2026-09-17. Review status: criteria provided, single submitter. Criteria: Genomenon Sequence Variant Interpretation Standards - Updated. Collection method: curation. Allele origin: germline. Affected: no.
Comment: CFB p.Asp279Ala (c.836A>C) is a missense variant that changes the amino acid at codon 279 from Aspartic acid to Alanine. This variant has been reported in the published literature (PMID:10072540). This variant is located in a mutational hotspot and/or important functional domain. It is absent or not present at a significant frequency in gnomAD. In conclusion, we classify CFB p.Asp279Ala (c.836A>C) as a variant of uncertain significance.

Literature cited by the submitters: PubMed 10072540.

NM_001710.6(CFB):c.836A>C (p.Asp279Ala)

Gene: CFB (complement factor B; plus strand). Cytogenetic location: 6p21.33.
Variant type: single nucleotide variant.
Coding change: c.836A>C on transcript NM_001710.6 (MANE Select); coding-DNA position 836, A replaced by C.
Protein change: p.Asp279Ala; replaces aspartic acid 279 with alanine.
Molecular consequence: missense variant.
Genome position (GRCh38, 1-based): chr6:31,948,020, A>C. VCF-style: chr6-31948020-A-C. GRCh37 (hg19) VCF-style: chr6-31915797-A-C.
Other names: short protein forms D279A.
Identifiers: ClinVar variation 4976831 (VCV004976831.1).
Genomic context (GRCh38, chr6:31,948,020, plus strand): 5'-GGAAGATCGTCCTGGACCCTTCAGGCTCCATGAACATCTACCTGGTGCTAGATGGATCAG[A>C]CAGCATTGGGGCCAGCAACTTCACAGGAGCCAAAAAGTGTCTAGTCAACTTAATTGAGAA-3'
Protein context (NP_001701.2, residues 269-289): MNIYLVLDGS[Asp279Ala]SIGASNFTGA